The following is an entry in ClinVar:

NM_001291303.3(FAT4):c.11792G>T (p.Gly3931Val)

Gene: FAT4 (FAT atypical cadherin 4; plus strand). Cytogenetic location: 4q28.1.
Variant type: single nucleotide variant.
Coding change: c.11792G>T on transcript NM_001291303.3 (MANE Select); coding-DNA position 11792, G replaced by T.
Protein change: p.Gly3931Val; replaces glycine 3931 with valine.
Molecular consequence: missense variant.
Genome position (GRCh38, 1-based): chr4:125,452,802, G>T. VCF-style: chr4-125452802-G-T. GRCh37 (hg19) VCF-style: chr4-126373957-G-T.
Other names: c.11792G>T, p.Gly3931Val (NM_001291285.3); c.11786G>T, p.Gly3929Val (NM_024582.6); short protein forms G3931V, G3929V.
Identifiers: ClinVar variation 1471230 (VCV001471230.3), dbSNP rs777754541, ClinGen allele CA358164276.

ClinVar aggregate classification (germline): Uncertain significance (1 of 4 stars; one submission).

Allele frequency attached by ClinVar (database versions not stated): TOPMed 0.00001.

Submission:

Labcorp Genetics (formerly Invitae), Labcorp
Classification: Uncertain significance. Last evaluated: 2022-01-14. Review status: criteria provided, single submitter. Criteria: Invitae Variant Classification Sherloc (09022015). Collection method: clinical testing. Allele origin: germline.
Comment: This sequence change replaces glycine, which is neutral and non-polar, with valine, which is neutral and non-polar, at codon 3929 of the FAT4 protein (p.Gly3929Val). This variant is not present in population databases (gnomAD no frequency). This variant has not been reported in the literature in individuals affected with FAT4-related conditions. Advanced modeling of protein sequence and biophysical properties (such as structural, functional, and spatial information, amino acid conservation, physicochemical variation, residue mobility, and thermodynamic stability) performed at Invitae indicates that this missense variant is expected to disrupt FAT4 protein function. In summary, the available evidence is currently insufficient to determine the role of this variant in disease. Therefore, it has been classified as a Variant of Uncertain Significance.